The following is an entry in ClinVar:

NM_014633.5(CTR9):c.571C>A (p.Arg191Ser)

Gene: CTR9 (CTR9 component of Paf1/RNA polymerase II complex; plus strand). Cytogenetic location: 11p15.4.
Variant type: single nucleotide variant.
Coding change: c.571C>A on transcript NM_014633.5 (MANE Select); coding-DNA position 571, C replaced by A.
Protein change: p.Arg191Ser; replaces arginine 191 with serine.
Molecular consequence: missense variant.
Genome position (GRCh38, 1-based): chr11:10,756,817, C>A. VCF-style: chr11-10756817-C-A. GRCh37 (hg19) VCF-style: chr11-10778364-C-A.
Other names: c.571C>A, p.Arg191Ser (NM_001346279.2); short protein forms R191S.
Identifiers: ClinVar variation 4531114 (VCV004531114.1).
Genomic context (GRCh38, chr11:10,756,817, plus strand): 5'-TGCATTTCCTTCAACAAGAAGGATTACAGAGGAGCTCTTGCTTACTATAAGAAAGCATTG[C>A]GTACTAACCCAGGATGTCCAGGTAAGAGAAAAATTTTATTTTATGTCTAAACTGTGTATT-3'
Protein context (NP_055448.1, residues 181-201): GALAYYKKAL[Arg191Ser]TNPGCPAEVR

ClinVar aggregate classification (germline): Uncertain significance (1 of 4 stars; one submission).

Submission:

GeneDx
Classification: Uncertain significance. Last evaluated: 2025-05-19. Review status: criteria provided, single submitter. Criteria: GeneDx Variant Classification Process June 2021. Collection method: clinical testing. Allele origin: germline. Affected: yes.
Comment: Not observed at significant frequency in large population cohorts (gnomAD); In silico analysis supports that this missense variant has a deleterious effect on protein structure/function; Has not been previously published as pathogenic or benign to our knowledge